The following is an entry in ClinVar:

ClinVar aggregate classification (germline): Likely benign (1 of 4 stars; one submission).

Allele frequency attached by ClinVar (database versions not stated): ExAC 0.00009; TOPMed 0.00014; gnomAD exomes 0.00005; gnomAD 0.00007.
gnomAD v4.1: 65 of 981,217 alleles (0.0066%); highest among the groups gnomAD compares: Middle Eastern, 0.35%; no homozygotes.

Submission:

CeGaT Center for Human Genetics Tuebingen
Classification: Likely benign. Last evaluated: 2023-05-01. Review status: criteria provided, single submitter. Criteria: CeGaT Center For Human Genetics Tuebingen Variant Classification Criteria Version 2. Collection method: clinical testing. Allele origin: germline. Affected: yes. Observed: 2 variant alleles.
Comment: HAUS7: BS2

NM_001385483.1(HAUS7):c.-589+8711G>A

Gene: HAUS7 (HAUS augmin like complex subunit 7; minus strand). Cytogenetic location: Xq28.
Variant type: single nucleotide variant.
Coding change: c.-589+8711G>A on transcript NM_001385483.1; 8711 bases into the intron after 589 bases upstream of the start codon, G replaced by A.
Molecular consequence: intron variant. On other transcripts: non-coding transcript variant (1).
Genome position (GRCh38, 1-based): chrX:153,486,663, C>T on the plus strand (G>A on the coding strand, the complement: HAUS7 is on the minus strand). VCF-style: chrX-153486663-C-T. GRCh37 (hg19) VCF-style: chrX-152752121-C-T.
Identifiers: ClinVar variation 2661694 (VCV002661694.22), dbSNP rs371262706, ClinGen allele CA10547081.
Genomic context (GRCh38, chrX:153,486,663, plus strand): 5'-CTGCTCTGCCCCACCCCTCCCTTGCAGACAAGTGCCCTTGAATTCCATCTGTGACATGCG[C>T]GTGGCTCAGGACTCCAACCTTACCTCCACACACCTGGAGAACAACCTCATTGACCGGCGC-3'